The following is an entry in ClinVar:

NM_000361.3(THBD):c.1490C>G (p.Pro497Arg)

Gene: THBD (thrombomodulin; minus strand). Cytogenetic location: 20p11.21.
Variant type: single nucleotide variant.
Coding change: c.1490C>G on transcript NM_000361.3 (MANE Select); coding-DNA position 1490, C replaced by G.
Protein change: p.Pro497Arg; replaces proline 497 with arginine.
Molecular consequence: missense variant.
Genome position (GRCh38, 1-based): chr20:23,048,015, G>C on the plus strand (C>G on the coding strand, the complement: THBD is on the minus strand). VCF-style: chr20-23048015-G-C. GRCh37 (hg19) VCF-style: chr20-23028652-G-C.
Other names: short protein forms P497R.
Identifiers: ClinVar variation 2793127 (VCV002793127.3), dbSNP rs1984621555, ClinGen allele CA408405414.
Genomic context (GRCh38, chr20:23,048,015, plus strand): 5'-AAGCCCGAATGCACGAGCCCCACGGCCGGAGGAGTCAAGGTGGAGCCGGGCGTCGGGCTG[G>C]GCGGGGGCTCGCCAGAGCCGCTGTCGCCACCGTCCACCTTGCCGGAGTCACAGTCGGTGC-3'
Protein context (NP_000352.1, residues 487-507): GGDSGSGEPP[Pro497Arg]SPTPGSTLTP

ClinVar aggregate classification (germline): Uncertain significance (1 of 4 stars; one submission).

Allele frequency attached by ClinVar (database versions not stated): gnomAD exomes below 0.00001; TOPMed below 0.00001.

Submission:

Labcorp Genetics (formerly Invitae), Labcorp
Classification: Uncertain significance. Last evaluated: 2023-06-14. Review status: criteria provided, single submitter. Criteria: Invitae Variant Classification Sherloc (09022015). Collection method: clinical testing. Allele origin: germline.
Comment: In summary, the available evidence is currently insufficient to determine the role of this variant in disease. Therefore, it has been classified as a Variant of Uncertain Significance. Advanced modeling of protein sequence and biophysical properties (such as structural, functional, and spatial information, amino acid conservation, physicochemical variation, residue mobility, and thermodynamic stability) performed at Invitae indicates that this missense variant is not expected to disrupt THBD protein function. This variant has not been reported in the literature in individuals affected with THBD-related conditions. This variant is not present in population databases (gnomAD no frequency). This sequence change replaces proline, which is neutral and non-polar, with arginine, which is basic and polar, at codon 497 of the THBD protein (p.Pro497Arg).